The following is an entry in ClinVar:

NM_001286.5(CLCN6):c.130C>A (p.Pro44Thr)

Gene: CLCN6 (chloride voltage-gated channel 6; plus strand). Cytogenetic location: 1p36.22.
Variant type: single nucleotide variant.
Coding change: c.130C>A on transcript NM_001286.5 (MANE Select); coding-DNA position 130, C replaced by A.
Protein change: p.Pro44Thr; replaces proline 44 with threonine.
Molecular consequence: missense variant. On other transcripts: non-coding transcript variant (1).
Genome position (GRCh38, 1-based): chr1:11,807,173, C>A. VCF-style: chr1-11807173-C-A. GRCh37 (hg19) VCF-style: chr1-11867230-C-A.
Other names: c.130C>A, p.Pro44Thr (NM_001256959.2); short protein forms P44T.
Identifiers: ClinVar variation 1721653 (VCV001721653.5), dbSNP rs1644526951, ClinGen allele CA338424464.

ClinVar aggregate classification (germline): Uncertain significance (1 of 4 stars; one submission).

gnomAD v4.1: 1 of 1,614,124 alleles (0.000062%); highest among the groups gnomAD compares: Non-Finnish European, 0.000085%; no homozygotes.

Submission:

Labcorp Genetics (formerly Invitae), Labcorp
Classification: Uncertain significance. Last evaluated: 2022-10-25. Review status: criteria provided, single submitter. Criteria: Invitae Variant Classification Sherloc (09022015). Collection method: clinical testing. Allele origin: germline.
Comment: In summary, the available evidence is currently insufficient to determine the role of this variant in disease. Therefore, it has been classified as a Variant of Uncertain Significance. This sequence change replaces proline, which is neutral and non-polar, with threonine, which is neutral and polar, at codon 44 of the CLCN6 protein (p.Pro44Thr). This variant is not present in population databases (gnomAD no frequency). This variant has not been reported in the literature in individuals affected with CLCN6-related conditions. Algorithms developed to predict the effect of missense changes on protein structure and function are either unavailable or do not agree on the potential impact of this missense change (SIFT: "Tolerated"; PolyPhen-2: "Probably Damaging"; Align-GVGD: "Class C0").